The following is an entry in ClinVar:

ClinVar aggregate classification (germline): Uncertain significance (1 of 4 stars; one submission).

Submission:

Labcorp Genetics (formerly Invitae), Labcorp
Classification: Uncertain significance. Last evaluated: 2024-03-27. Review status: criteria provided, single submitter. Criteria: Invitae Variant Classification Sherloc (09022015). Collection method: clinical testing. Allele origin: germline.
Comment: This sequence change replaces aspartic acid, which is acidic and polar, with glycine, which is neutral and non-polar, at codon 403 of the SMARCA2 protein (p.Asp403Gly). This variant is not present in population databases (gnomAD no frequency). This variant has not been reported in the literature in individuals affected with SMARCA2-related conditions. Advanced modeling of protein sequence and biophysical properties (such as structural, functional, and spatial information, amino acid conservation, physicochemical variation, residue mobility, and thermodynamic stability) has been performed at Invitae for this missense variant, however the output from this modeling did not meet the statistical confidence thresholds required to predict the impact of this variant on SMARCA2 protein function. In summary, the available evidence is currently insufficient to determine the role of this variant in disease. Therefore, it has been classified as a Variant of Uncertain Significance.

NM_003070.5(SMARCA2):c.1208A>G (p.Asp403Gly)

Gene: SMARCA2 (SWI/SNF related BAF chromatin remodeling complex subunit ATPase 2; plus strand). Cytogenetic location: 9p24.3.
Variant type: single nucleotide variant.
Coding change: c.1208A>G on transcript NM_003070.5 (MANE Select); coding-DNA position 1208, A replaced by G.
Protein change: p.Asp403Gly; replaces aspartic acid 403 with glycine.
Molecular consequence: missense variant.
Genome position (GRCh38, 1-based): chr9:2,056,706, A>G. VCF-style: chr9-2056706-A-G. GRCh37 (hg19) VCF-style: chr9-2056706-A-G.
Other names: c.1208A>G, p.Asp403Gly (NM_001289396.2, NM_001289397.2, NM_139045.4); short protein forms D403G.
Identifiers: ClinVar variation 3678766 (VCV003678766.2).
Genomic context (GRCh38, chr9:2,056,706, plus strand): 5'-CTGTCTAACTGCTCTCTTCTTGACAGCTGAGACAGGAGGTGGTGGCCTGCATGCGCAGGG[A>G]CACGACCCTGGAGACGGCTCTCAACTCCAAAGCATACAAACGGAGCAAGCGCCAGACTCT-3'
Protein context (NP_003061.3, residues 393-413): RQEVVACMRR[Asp403Gly]TTLETALNSK